The following is an entry in ClinVar:

ClinVar aggregate classification (germline): Uncertain significance. Review status: criteria provided, multiple submitters, no conflicts (2 of 4 stars). 3 submissions from 3 submitters: Uncertain significance (3). Last evaluated 2023-12-11.

Conditions:
Hereditary cancer-predisposing syndrome. Also called: Neoplastic Syndromes, Hereditary; Tumor predisposition; Hereditary neoplastic syndrome; Hereditary Cancer Syndrome. Identifiers: Orphanet 140162, MedGen C0027672, MeSH D009386, MONDO:0015356.
Familial cancer of breast. Also called: hereditary breast carcinoma; Hereditary breast cancer; BREAST CANCER, FAMILIAL. Identifiers: Orphanet 227535, MedGen C0346153, MONDO:0016419, OMIM 114480. Disease mechanism: loss of function.

Submissions (3):

Labcorp Genetics (formerly Invitae), Labcorp
Classification: Uncertain significance for Familial cancer of breast. Last evaluated: 2023-12-11. Review status: criteria provided, single submitter. Criteria: Invitae Variant Classification Sherloc (09022015). Collection method: clinical testing. Allele origin: germline.
Comment: This sequence change replaces isoleucine, which is neutral and non-polar, with arginine, which is basic and polar, at codon 966 of the PALB2 protein (p.Ile966Arg). This variant is not present in population databases (gnomAD no frequency). This variant has not been reported in the literature in individuals affected with PALB2-related conditions. ClinVar contains an entry for this variant (Variation ID: 1369767). Advanced modeling of protein sequence and biophysical properties (such as structural, functional, and spatial information, amino acid conservation, physicochemical variation, residue mobility, and thermodynamic stability) performed at Invitae indicates that this missense variant is expected to disrupt PALB2 protein function with a positive predictive value of 80%. In summary, the available evidence is currently insufficient to determine the role of this variant in disease. Therefore, it has been classified as a Variant of Uncertain Significance.

Quest Diagnostics Nichols Institute San Juan Capistrano
Classification: Uncertain significance. Last evaluated: 2022-12-23. Review status: criteria provided, single submitter. Criteria: Quest Diagnostics criteria. Collection method: clinical testing. Allele origin: unknown.
Comment: The variant has not been reported in the published literature. It also has not been reported in large, multi-ethnic general populations. Analysis of this variant using bioinformatics tools for the prediction of the effect of amino acid changes on protein structure and function yielded conflicting predictions that this variant is benign or damaging. Based on the available information, we are unable to determine the clinical significance of this variant.

Ambry Genetics
Classification: Uncertain significance for Hereditary cancer-predisposing syndrome. Last evaluated: 2021-06-18. Review status: criteria provided, single submitter. Criteria: Ambry Variant Classification Scheme 2023. Collection method: clinical testing. Allele origin: germline.

NM_024675.4(PALB2):c.2897T>G (p.Ile966Arg)

Gene: PALB2 (partner and localizer of BRCA2; minus strand). Cytogenetic location: 16p12.2.
Variant type: single nucleotide variant.
Coding change: c.2897T>G on transcript NM_024675.4 (MANE Select); coding-DNA position 2897, T replaced by G.
Protein change: p.Ile966Arg; replaces isoleucine 966 with arginine.
Molecular consequence: missense variant.
Genome position (GRCh38, 1-based): chr16:23,623,068, A>C on the plus strand (T>G on the coding strand, the complement: PALB2 is on the minus strand). VCF-style: chr16-23623068-A-C. GRCh37 (hg19) VCF-style: chr16-23634389-A-C.
Other names: c.2897T>G (NM_024675.3); short protein forms I966R.
Identifiers: ClinVar variation 1369767 (VCV001369767.11), dbSNP rs587780214, ClinGen allele CA395144279.